The following is an entry in ClinVar:

NM_003560.4(PLA2G6):c.1077G>A (p.Ser359=)

Gene: PLA2G6 (phospholipase A2 group VI; minus strand). Cytogenetic location: 22q13.1.
Variant type: single nucleotide variant.
Coding change: c.1077G>A on transcript NM_003560.4 (MANE Select); coding-DNA position 1077, G replaced by A.
Protein change: p.Ser359=; no amino-acid change (serine 359 retained).
Molecular consequence: synonymous variant.
Genome position (GRCh38, 1-based): chr22:38,132,831, C>T on the plus strand (G>A on the coding strand, the complement: PLA2G6 is on the minus strand). VCF-style: chr22-38132831-C-T. GRCh37 (hg19) VCF-style: chr22-38528838-C-T.
Other names: NM_003560.4(PLA2G6):c.1077G>A; p.Ser359=; c.1077G>A, p.Ser359= (NM_001004426.3, NM_001199562.3, NM_001349864.2 and 2 more transcripts); c.543G>A, p.Ser181= (NM_001349867.2, NM_001349869.2); c.399G>A, p.Ser133= (NM_001349868.2).
Identifiers: ClinVar variation 279875 (VCV000279875.15), dbSNP rs368497893, ClinGen allele CA10603512.

ClinVar aggregate classification (germline): Pathogenic/Likely pathogenic. Review status: criteria provided, multiple submitters, no conflicts (2 of 4 stars). 6 submissions from 6 submitters: Pathogenic (5); Likely pathogenic (1). Last evaluated 2024-11-11.

Conditions:
PLA2G6-associated neurodegeneration (PLAN). Also called: phospholipase A2-associated neurodegeneration. Identifiers: Orphanet 329303, MedGen CN204472, MONDO:0017998.
Neurodegeneration with brain iron accumulation 2B. Also called: NEUROAXONAL DYSTROPHY, ATYPICAL; NEURODEGENERATION WITH BRAIN IRON ACCUMULATION, PLA2G6-RELATED; aNAD; atypical Neuroaxonal Dystrophy (aNAD). Identifiers: Orphanet 35069, MedGen C1857747, MONDO:0012444, OMIM 610217.
Infantile neuroaxonal dystrophy (NBIA2A). Also called: NEURODEGENERATION WITH BRAIN IRON ACCUMULATION 2A; SEITELBERGER DISEASE; Infantile neuroaxonal dystrophy 1. Identifiers: Orphanet 35069, MedGen C0270724, MONDO:0024457, OMIM 256600.
Autosomal recessive Parkinson disease 14. Also called: PARKINSON DISEASE 14; DYSTONIA-PARKINSONISM, ADULT-ONSET. Identifiers: Orphanet 199351, MedGen C2751842, MONDO:0013060, OMIM 612953.

Allele frequency attached by ClinVar (database versions not stated): gnomAD 0.00001; gnomAD exomes 0.00001 and 0.00002; TOPMed 0.00001.
gnomAD v4.1: 13 of 1,545,014 alleles (0.00084%); highest among the groups gnomAD compares: East Asian, 0.0049%; no homozygotes.

Submissions (6):

Labcorp Genetics (formerly Invitae), Labcorp
Classification: Pathogenic for Infantile neuroaxonal dystrophy. Last evaluated: 2024-11-11. Review status: criteria provided, single submitter. Criteria: Invitae Variant Classification Sherloc (09022015). Collection method: clinical testing. Allele origin: germline.
Comment: This sequence change affects codon 359 of the PLA2G6 mRNA. It is a 'silent' change, meaning that it does not change the encoded amino acid sequence of the PLA2G6 protein. This variant also falls at the last nucleotide of exon 7, which is part of the consensus splice site for this exon. The frequency data for this variant in the population databases is considered unreliable, as metrics indicate poor data quality at this position in the gnomAD database. This variant has been observed in individuals with PLA2G6-related conditions (PMID: 22213678, 22934738, 26196026, 27395053, 29159939). ClinVar contains an entry for this variant (Variation ID: 279875). Variants that disrupt the consensus splice site are a relatively common cause of aberrant splicing (PMID: 17576681, 9536098). Algorithms developed to predict the effect of sequence changes on RNA splicing suggest that this variant may disrupt the consensus splice site. For these reasons, this variant has been classified as Pathogenic.

Fulgent Genetics
Classification: Pathogenic for Infantile neuroaxonal dystrophy; Neurodegeneration with brain iron accumulation 2B; Autosomal recessive Parkinson disease 14. Last evaluated: 2023-12-29. Review status: criteria provided, single submitter. Criteria: ACMG Guidelines, 2015. Collection method: clinical testing. Allele origin: germline.

Broad Center for Mendelian Genomics, Broad Institute of MIT and Harvard
Classification: Pathogenic for PLA2G6-associated neurodegeneration. Last evaluated: 2023-01-24. Review status: criteria provided, single submitter. Criteria: ACMG Guidelines, 2015. Collection method: curation. Allele origin: germline. Inheritance: Autosomal recessive inheritance.
Comment: The p.Ser359= variant in PLA2G6 has been reported in at least 8 individuals with PLA2G6-associated neurodegeneration (PMID: 22934738, 29159939, Lu_2017, 32005694, 27395053, 22213678), and has been identified in 0.02% (2/12982) of East Asian chromosomes by the Genome Aggregation Database (gnomAD; dbSNP ID: rs368497893). Although this variant has been seen in the general population in a heterozygous state, its frequency is not high enough to rule out a pathogenic role. This variant has also been reported in ClinVar (Variation ID#: 279875) and has been interpreted as pathogenic by GeneDx and Invitae. Of the 8 affected individuals, 2 of those were homozygotes, and 3 were compound heterozygotes that carried reported likely pathogenic variants with unknown phase, which increases the likelihood that the p.Ser359= variant is pathogenic. (Variant ID: 437465, 129889; PMID: 22934738, 29159939, Lu_2017, 32005694). In vitro functional studies provide some evidence that the p.Ser359= variant may slightly impact protein function (PMID: 22213678). However, these types of assays may not accurately represent biological function. Computational prediction tools and conservation analyses suggest that this variant may impact the protein, though this information is not predictive enough to determine pathogenicity. In summary, this variant meets criteria to be classified as pathogenic for autosomal recessive PLA2G6-associated neurodegeneration. ACMG/AMP Criteria applied: PM3_very-strong, PS3_moderate, PP3 (Richards 2015).

GeneDx
Classification: Pathogenic. Last evaluated: 2022-10-18. Review status: criteria provided, single submitter. Criteria: GeneDx Variant Classification Process June 2021. Collection method: clinical testing. Allele origin: germline. Affected: yes.
Comment: Published functional studies demonstrate the use of a cryptic donor site, resulting in a frameshift variant resulting in a null allele, and this is a gene for which loss of function is a known mechanism of disease (Lu et al., 2012); In silico analysis supports a deleterious effect on splicing; This variant is associated with the following publications: (PMID: 22213678, 26633542, 31589614, 29159939, 32005694, 27395053, 22934738, 32183746)

Juno Genomics, Hangzhou Juno Genomics, Inc
Classification: Pathogenic for Infantile neuroaxonal dystrophy; Neurodegeneration with brain iron accumulation 2B; Autosomal recessive Parkinson disease 14. Review status: criteria provided, single submitter. Criteria: ACMG Guidelines, 2015. Collection method: clinical testing. Allele origin: germline.
Comment: Absent from controls (or at extremely low frequency if recessive) in Genome Aggregation Database.;Multiple lines of computational evidence support a deleterious effect on the gene or gene product.;For recessive disorders, detected in trans with a pathogenic variant.

Molecular Genetics Lab, CHRU Brest
Classification: Likely pathogenic for Autosomal recessive Parkinson disease 14; Neurodegeneration with brain iron accumulation 2B; Infantile neuroaxonal dystrophy. Review status: criteria provided, single submitter. Criteria: ACMG Guidelines, 2015. Collection method: clinical testing. Allele origin: inherited. Affected: yes.

Literature cited by the submitters: PubMed 22213678 (cited by Labcorp Genetics (formerly Invitae), Labcorp); PubMed 22934738 (cited by Labcorp Genetics (formerly Invitae), Labcorp); PubMed 26196026 (cited by Labcorp Genetics (formerly Invitae), Labcorp); PubMed 27395053 (cited by Labcorp Genetics (formerly Invitae), Labcorp); PubMed 29159939 (cited by Labcorp Genetics (formerly Invitae), Labcorp); PubMed 17576681 (cited by Labcorp Genetics (formerly Invitae), Labcorp); PubMed 9536098 (cited by Labcorp Genetics (formerly Invitae), Labcorp).